The following is an entry in ClinVar:

ClinVar aggregate classification (germline): Uncertain significance. Review status: criteria provided, multiple submitters, no conflicts (2 of 4 stars). 3 submissions from 3 submitters: Uncertain significance (3). Last evaluated 2026-02-18.

Conditions:
Cardiovascular phenotype. Identifiers: MedGen CN230736.

Allele frequency attached by ClinVar (database versions not stated): gnomAD exomes 0.00001.
gnomAD v4.1: 12 of 1,549,994 alleles (0.00077%); highest among the groups gnomAD compares: Non-Finnish European, 0.00096%; no homozygotes.

Submissions (3):

Women's Health and Genetics/Laboratory Corporation of America, LabCorp
Classification: Uncertain significance. Last evaluated: 2026-02-18. Review status: criteria provided, single submitter. Criteria: LabCorp Variant Classification Summary - May 2015. Collection method: clinical testing. Allele origin: germline.
Comment: Variant summary: ZNF469 c.7478G>A (p.Arg2493Lys) results in a conservative amino acid change located in a C2H2-type Zinc finger domain (IPR013087) of the encoded protein sequence. Algorithms developed to predict the effect of missense changes on protein structure and function are either unavailable or do not agree on the potential impact of this missense change. The variant allele was found at a frequency of 6.8e-06 in 147934 control chromosomes (gnomAD). The available data on variant occurrences in the general population are insufficient to allow any conclusion about variant significance. To our knowledge, no occurrence of c.7478G>A in individuals affected with ZNF469-related conditions and no experimental evidence demonstrating its impact on protein function have been reported. ClinVar contains an entry for this variant (Variation ID: 1758675). Based on the evidence outlined above, the variant was classified as uncertain significance.

Ambry Genetics
Classification: Uncertain significance for Cardiovascular phenotype. Last evaluated: 2024-08-31. Review status: criteria provided, single submitter. Criteria: Ambry Variant Classification Scheme 2023. Collection method: clinical testing. Allele origin: germline.
Comment: The p.R2465K variant (also known as c.7394G>A), located in coding exon 2 of the ZNF469 gene, results from a G to A substitution at nucleotide position 7394. The arginine at codon 2465 is replaced by lysine, an amino acid with highly similar properties. This amino acid position is conserved. In addition, this alteration is predicted to be tolerated by in silico analysis. Since supporting evidence is limited at this time, the clinical significance of this alteration remains unclear.

GeneDx
Classification: Uncertain significance. Last evaluated: 2024-06-05. Review status: criteria provided, single submitter. Criteria: GeneDx Variant Classification Process June 2021. Collection method: clinical testing. Allele origin: germline. Affected: yes.
Comment: Not observed at significant frequency in large population cohorts (gnomAD); In silico analysis indicates that this missense variant does not alter protein structure/function; Has not been previously published as pathogenic or benign to our knowledge

NM_001367624.2(ZNF469):c.7478G>A (p.Arg2493Lys)

Gene: ZNF469 (zinc finger protein 469; plus strand). Cytogenetic location: 16q24.2.
Variant type: single nucleotide variant.
Coding change: c.7478G>A on transcript NM_001367624.2 (MANE Select); coding-DNA position 7478, G replaced by A.
Protein change: p.Arg2493Lys; replaces arginine 2493 with lysine.
Molecular consequence: missense variant.
Genome position (GRCh38, 1-based): chr16:88,434,948, G>A. VCF-style: chr16-88434948-G-A. GRCh37 (hg19) VCF-style: chr16-88501356-G-A.
Other names: NM_001127464.1:c.7394G>A; short protein forms R2493K.
Identifiers: ClinVar variation 1758675 (VCV001758675.5), dbSNP rs982705051, ClinGen allele CA286382727.